The following is an entry in ClinVar:

NM_001042492.3(NF1):c.7461A>T (p.Thr2487=)

Gene: NF1 (neurofibromin 1; plus strand). Cytogenetic location: 17q11.2.
Variant type: single nucleotide variant.
Coding change: c.7461A>T on transcript NM_001042492.3 (MANE Select); coding-DNA position 7461, A replaced by T.
Protein change: p.Thr2487=; no amino-acid change (threonine 2487 retained).
Molecular consequence: synonymous variant.
Genome position (GRCh38, 1-based): chr17:31,352,260, A>T. VCF-style: chr17-31352260-A-T. GRCh37 (hg19) VCF-style: chr17-29679278-A-T.
Other names: c.7398A>T, p.Thr2466= (NM_000267.4).
Identifiers: ClinVar variation 703681 (VCV000703681.53), dbSNP rs149924365, ClinGen allele CA499239226.

ClinVar aggregate classification (germline): Benign/Likely benign. Review status: criteria provided, multiple submitters, no conflicts (2 of 4 stars). 4 submissions from 4 submitters: Benign (1); Likely benign (3). Last evaluated 2026-05-21.

Conditions:
Hereditary cancer-predisposing syndrome. Also called: Hereditary Cancer Syndrome; Hereditary neoplastic syndrome; Neoplastic Syndromes, Hereditary; Tumor predisposition. Identifiers: Orphanet 140162, MedGen C0027672, MeSH D009386, MONDO:0015356.
Cardiovascular phenotype. Identifiers: MedGen CN230736.
Neurofibromatosis, type 1 (NF1). Also called: Neurofibromatosis, type I; VON RECKLINGHAUSEN DISEASE; NEUROFIBROMATOSIS, TYPE I, SOMATIC; Peripheral type neurofibromatosis. Identifiers: Orphanet 636, MedGen C0027831, MONDO:0018975, OMIM 162200. Disease mechanism: loss of function.

Submissions (4):

Myriad Genetics, Inc.
Classification: Benign for Neurofibromatosis, type 1. Last evaluated: 2026-05-21. Review status: criteria provided, single submitter. Criteria: Myriad Autosomal Dominant, Autosomal Recessive and X-Linked Classification Criteria (2023). Collection method: clinical testing. Allele origin: unknown.
Comment: This variant is considered benign. This variant is a silent/synonymous amino acid change and it is not expected to impact splicing.

Labcorp Genetics (formerly Invitae), Labcorp
Classification: Likely benign for Neurofibromatosis, type 1. Last evaluated: 2024-09-01. Review status: criteria provided, single submitter. Criteria: Invitae Variant Classification Sherloc (09022015). Collection method: clinical testing. Allele origin: germline.

Genome-Nilou Lab
Classification: Likely benign for Neurofibromatosis, type 1. Last evaluated: 2022-03-15. Review status: criteria provided, single submitter. Criteria: ACMG Guidelines, 2015. Collection method: clinical testing. Allele origin: germline. Affected: no.

Ambry Genetics
Classification: Likely benign for Cardiovascular phenotype; Hereditary cancer-predisposing syndrome. Last evaluated: 2018-02-19. Review status: criteria provided, single submitter. Criteria: Ambry Variant Classification Scheme 2023. Collection method: clinical testing. Allele origin: germline.